The following is an entry in ClinVar:

ClinVar aggregate classification (germline): Uncertain significance. Review status: criteria provided, multiple submitters, no conflicts (2 of 4 stars). 2 submissions from 2 submitters: Uncertain significance (2). Last evaluated 2023-08-17.

Conditions:
Short-rib thoracic dysplasia 8 with or without polydactyly (SRTD8). Also called: SHORT-RIB THORACIC DYSPLASIA 8 WITH POLYDACTYLY. Identifiers: Orphanet 93271, MedGen C3809691, MONDO:0014214, OMIM 615503.

Allele frequency attached by ClinVar (database versions not stated): ExAC 0.00003; TOPMed 0.00005; gnomAD exomes 0.00006 and 0.00014; gnomAD 0.00007.
gnomAD v4.1: 206 of 1,610,512 alleles (0.013%); highest among the groups gnomAD compares: Non-Finnish European, 0.017%; no homozygotes.

Submissions (2):

Labcorp Genetics (formerly Invitae), Labcorp
Classification: Uncertain significance for Short-rib thoracic dysplasia 8 with or without polydactyly. Last evaluated: 2023-08-17. Review status: criteria provided, single submitter. Criteria: Invitae Variant Classification Sherloc (09022015). Collection method: clinical testing. Allele origin: germline.
Comment: This sequence change replaces threonine, which is neutral and polar, with serine, which is neutral and polar, at codon 749 of the WDR60 protein (p.Thr749Ser). This variant is present in population databases (rs755638947, gnomAD 0.01%). This variant has not been reported in the literature in individuals affected with WDR60-related conditions. ClinVar contains an entry for this variant (Variation ID: 1680707). An algorithm developed to predict the effect of missense changes on protein structure and function (PolyPhen-2) suggests that this variant¬†is likely to be tolerated. This variant disrupts the p.Thr749 amino acid residue in WDR60. Other variant(s) that disrupt this residue have been determined to be pathogenic (PMID: 23910462). This suggests that this residue is clinically significant, and that variants that disrupt this residue are likely to be disease-causing. In summary, the available evidence is currently insufficient to determine the role of this variant in disease. Therefore, it has been classified as a Variant of Uncertain Significance.

Department of Pathology and Laboratory Medicine, Sinai Health System
Classification: Uncertain significance for short-rib thoracic dysplasia 8 with or without polydactyly. Last evaluated: 2023-02-24. Review status: criteria provided, single submitter. Criteria: ACMG Guidelines, 2015. Collection method: research. Allele origin: germline.

Literature cited by the submitters: PubMed 23910462 (cited by Labcorp Genetics (formerly Invitae), Labcorp).

NM_018051.5(DYNC2I1):c.2245A>T (p.Thr749Ser)

Gene: DYNC2I1 (dynein 2 intermediate chain 1; plus strand). Cytogenetic location: 7q36.3.
Variant type: single nucleotide variant.
Coding change: c.2245A>T on transcript NM_018051.5 (MANE Select); coding-DNA position 2245, A replaced by T.
Protein change: p.Thr749Ser; replaces threonine 749 with serine.
Molecular consequence: missense variant.
Genome position (GRCh38, 1-based): chr7:158,923,721, A>T. VCF-style: chr7-158923721-A-T. GRCh37 (hg19) VCF-style: chr7-158716412-A-T.
Other names: c.2107A>T, p.Thr703Ser (NM_001350914.2); c.1672A>T, p.Thr558Ser (NM_001350915.2); c.784A>T, p.Thr262Ser (NM_001350916.2); c.997A>T, p.Thr333Ser (NM_001350917.2, NM_001350918.2); short protein forms T262S, T333S, T558S, T703S, T749S.
Identifiers: ClinVar variation 1680707 (VCV001680707.5), dbSNP rs755638947, ClinGen allele CA4594912.
Genomic context (GRCh38, chr7:158,923,721, plus strand): 5'-GACTCAAGGCTGCATTACTCTGTGACGCTGAGCGATGGCTTCTGGACGTTCCGGACCGCC[A>T]CGTTTTCCACCGGTCAGTGTCATCTGCCTGCCAATTGTGTGTCTGCTAGAAAAGCCACAC-3'
Protein context (NP_060521.4, residues 739-759): SDGFWTFRTA[Thr749Ser]FSTDGILTSV